The following is an entry in ClinVar:

NM_000059.4(BRCA2):c.8284C>T (p.Pro2762Ser)

Gene: BRCA2 (BRCA2 DNA repair associated; plus strand). Cytogenetic location: 13q13.1.
Variant type: single nucleotide variant.
Coding change: c.8284C>T on transcript NM_000059.4 (MANE Select); coding-DNA position 8284, C replaced by T.
Protein change: p.Pro2762Ser; replaces proline 2762 with serine.
Molecular consequence: missense variant.
Genome position (GRCh38, 1-based): chr13:32,363,486, C>T. VCF-style: chr13-32363486-C-T. GRCh37 (hg19) VCF-style: chr13-32937623-C-T.
Other names: short protein forms P2762S.
Identifiers: ClinVar variation 441396 (VCV000441396.13), dbSNP rs1302254513, ClinGen allele CA387750097.

ClinVar aggregate classification (germline): Uncertain significance. Review status: criteria provided, multiple submitters, no conflicts (2 of 4 stars). 3 submissions from 3 submitters: Uncertain significance (3). Last evaluated 2025-11-19.

Conditions:
Hereditary cancer-predisposing syndrome. Also called: Hereditary Cancer Syndrome; Hereditary neoplastic syndrome; Neoplastic Syndromes, Hereditary; Tumor predisposition. Identifiers: Orphanet 140162, MedGen C0027672, MeSH D009386, MONDO:0015356.
Hereditary breast ovarian cancer syndrome. Also called: Hereditary breast and ovarian cancer; Breast and ovarian cancer; Hereditary breast and ovarian cancer syndrome; Hereditary breast and/or ovarian cancer syndrome; BRCA1- and BRCA2-Associated Hereditary Breast and Ovarian Cancer; Hereditary breast and ovarian cancer syndrome (HBOC). Identifiers: Orphanet 145, MedGen C0677776, MeSH D061325, MONDO:0003582. Disease mechanism: loss of function.

Allele frequency attached by ClinVar (database versions not stated): gnomAD exomes below 0.00001; TOPMed below 0.00001; gnomAD 0.00001.
gnomAD v4.1: 2 of 1,613,968 alleles (0.00012%); highest among the groups gnomAD compares: African/African-American, 0.0013%; no homozygotes.

Submissions (3):

Ambry Genetics
Classification: Uncertain significance for Hereditary cancer-predisposing syndrome. Last evaluated: 2025-11-19. Review status: criteria provided, single submitter. Criteria: Ambry Variant Classification Scheme 2023. Collection method: clinical testing. Allele origin: germline.
Comment: The p.P2762S variant (also known as c.8284C>T), located in coding exon 17 of the BRCA2 gene, results from a C to T substitution at nucleotide position 8284. The proline at codon 2762 is replaced by serine, an amino acid with similar properties. Two saturation genome editing-based studies, including a haploid cell-survival assay and a humanized mouse embryonic stem cell line assay of drug response and survival, demonstrate that this nucleotide substitution may be functional; however, additional evidence is needed to confirm these findings (Huang H et al. Nature. 2025 Feb;638(8050):528-537; Sahu S et al. Nature. 2025 Feb;638(8050):538-545).This amino acid position is not well conserved in available vertebrate species. In addition, the in silico prediction for this alteration is inconclusive. Based on the available evidence, the clinical significance of this variant remains unclear.

Labcorp Genetics (formerly Invitae), Labcorp
Classification: Uncertain significance for Hereditary breast ovarian cancer syndrome. Last evaluated: 2021-10-10. Review status: criteria provided, single submitter. Criteria: Invitae Variant Classification Sherloc (09022015). Collection method: clinical testing. Allele origin: germline.
Comment: This sequence change replaces proline with serine at codon 2762 of the BRCA2 protein (p.Pro2762Ser). The proline residue is moderately conserved and there is a moderate physicochemical difference between proline and serine. This variant is not present in population databases (ExAC no frequency). In summary, the available evidence is currently insufficient to determine the role of this variant in disease. Therefore, it has been classified as a Variant of Uncertain Significance. Advanced modeling of protein sequence and biophysical properties (such as structural, functional, and spatial information, amino acid conservation, physicochemical variation, residue mobility, and thermodynamic stability) performed at Invitae indicates that this missense variant is not expected to disrupt BRCA2 protein function. ClinVar contains an entry for this variant (Variation ID: 441396). This variant has not been reported in the literature in individuals affected with BRCA2-related conditions.

Quest Diagnostics Nichols Institute San Juan Capistrano
Classification: Uncertain significance. Last evaluated: 2021-06-03. Review status: criteria provided, single submitter. Criteria: Quest Diagnostics criteria. Collection method: clinical testing. Allele origin: unknown.

Literature cited by the submitters: PubMed 39779848 (cited by Ambry Genetics); PubMed 39779857 (cited by Ambry Genetics).